The following is an entry in ClinVar:

ClinVar aggregate classification (germline): Benign/Likely benign. Review status: criteria provided, multiple submitters, no conflicts (2 of 4 stars). 3 submissions from 3 submitters: Benign (1); Likely benign (2). Last evaluated 2025-07-01.

Conditions:
Hereditary cancer-predisposing syndrome. Also called: Neoplastic Syndromes, Hereditary; Tumor predisposition; Hereditary Cancer Syndrome; Hereditary neoplastic syndrome. Identifiers: Orphanet 140162, MedGen C0027672, MeSH D009386, MONDO:0015356.
Hereditary leiomyomatosis and renal cell cancer. Also called: MULTIPLE CUTANEOUS AND UTERINE LEIOMYOMATA 1, WITH OR WITHOUT RENAL CELL CARCINOMA; LEIOMYOMA, MULTIPLE CUTANEOUS; Reed syndrome; Multiple cutaneous and uterine leiomyomatosis; Cutaneous leiomyomata with uterine leiomyomata; Leiomyoma, hereditary multiple, of skin. Identifiers: Orphanet 523, MedGen C1708350, MONDO:0007888, OMIM 150800, HP:0007437. Disease mechanism: loss of function.

Allele frequency attached by ClinVar (database versions not stated): gnomAD exomes below 0.00001; TOPMed below 0.00001; ExAC 0.00001.
gnomAD v4.1: 1 of 1,613,790 alleles (0.000062%); highest among the groups gnomAD compares: African/African-American, 0.0013%; no homozygotes.

Submissions (3):

Labcorp Genetics (formerly Invitae), Labcorp
Classification: Likely benign. Last evaluated: 2025-07-01. Review status: criteria provided, single submitter. Criteria: Invitae Variant Classification Sherloc (09022015). Collection method: clinical testing. Allele origin: germline.

Myriad Genetics, Inc.
Classification: Benign for Hereditary leiomyomatosis and renal cell cancer. Last evaluated: 2024-10-22. Review status: criteria provided, single submitter. Criteria: Myriad Autosomal Dominant, Autosomal Recessive and X-Linked Classification Criteria (2023). Collection method: clinical testing. Allele origin: unknown.
Comment: This variant is considered benign. This variant is a silent/synonymous amino acid change and it is not expected to impact splicing.

Ambry Genetics
Classification: Likely benign for Hereditary cancer-predisposing syndrome. Last evaluated: 2022-06-07. Review status: criteria provided, single submitter. Criteria: Ambry Variant Classification Scheme 2023. Collection method: clinical testing. Allele origin: germline.

NM_000143.4(FH):c.1458T>C (p.Ala486=)

Gene: FH (fumarate hydratase; minus strand). Cytogenetic location: 1q43.
Variant type: single nucleotide variant.
Coding change: c.1458T>C on transcript NM_000143.4 (MANE Select); coding-DNA position 1458, T replaced by C.
Protein change: p.Ala486=; no amino-acid change (alanine 486 retained).
Molecular consequence: synonymous variant.
Genome position (GRCh38, 1-based): chr1:241,497,903, A>G on the plus strand (T>C on the coding strand, the complement: FH is on the minus strand). VCF-style: chr1-241497903-A-G. GRCh37 (hg19) VCF-style: chr1-241661203-A-G.
Identifiers: ClinVar variation 1773094 (VCV001773094.8), dbSNP rs771879458, ClinGen allele CA1478435.
Genomic context (GRCh38, chr1:241,497,903, plus strand): 5'-CATGTCCTTAGGTTTTACCCATTCGTCAAACTGCTCTGCTGTGAGATAGCCAAGTTCGAT[A>G]GCAGTTTCCTTTAAGGTTGATCCATTTTTGTGTGCTGTCTTAGCAATCTTTGCTGCCTTG-3'
Protein context (NP_000134.2, residues 476-496): HKNGSTLKET[Ala486=]IELGYLTAEQ